The following is an entry in ClinVar:

ClinVar aggregate classification (germline): Uncertain significance. Review status: criteria provided, multiple submitters, no conflicts (2 of 4 stars). 6 submissions from 6 submitters: Uncertain significance (6). Last evaluated 2026-09-08.

Conditions:
Fabry disease. Also called: GLA DEFICIENCY; HEREDITARY DYSTOPIC LIPIDOSIS; Fabry's disease; Angiokeratoma corporis diffusum; Ceramide trihexosidosis; ALPHA-GALACTOSIDASE A DEFICIENCY. Identifiers: Orphanet 324, MedGen C0002986, MONDO:0010526, OMIM 301500, HP:0001071. Disease mechanism: loss of function, Fabry disease is due to inactivating mutations in the X-linked GLA gene resulting in deficiency of the enzyme Alpha Galactosidase-A..
Cardiovascular phenotype. Identifiers: MedGen CN230736.

Allele frequency attached by ClinVar (database versions not stated): TOPMed below 0.00001; gnomAD 0.00001.
gnomAD v4.1: 1 of 1,206,765 alleles (0.000083%); highest among the groups gnomAD compares: African/African-American, 0.0018%; no homozygotes.

Submissions (6):

Genomenon, Inc
Classification: Uncertain significance for Fabry disease. Last evaluated: 2026-09-08. Review status: criteria provided, single submitter. Criteria: Genomenon Sequence Variant Interpretation Standards - Updated. Collection method: curation. Allele origin: germline. Affected: no.
Comment: GLA p.Pro60Leu (c.179C>T) is a missense variant that changes the amino acid at codon 60 from Proline to Leucine. This variant has been reported in the published literature (PMID:26415523;32023956;25040344;26563328;27657681;20471476). It is absent or not present at a significant frequency in gnomAD. In silico models predict that this variant is possibly or probably damaging. In conclusion, we classify GLA p.Pro60Leu (c.179C>T) as a variant of uncertain significance.

Ambry Genetics
Classification: Uncertain significance for Cardiovascular phenotype. Last evaluated: 2025-11-06. Review status: criteria provided, single submitter. Criteria: Ambry Variant Classification Scheme 2023. Collection method: clinical testing. Allele origin: germline.
Comment: The p.P60L variant (also known as c.179C>T), located in coding exon 1 of the GLA gene, results from a C to T substitution at nucleotide position 179. The proline at codon 60 is replaced by leucine, an amino acid with similar properties. This variant was reported in individual(s) with features consistent with Fabry disease; however, clinical data was limited in some cases (Vedder AC et al. J Inherit Metab Dis, 2007 Feb;30:68-78; Rombach SM et al. Biochim Biophys Acta, 2010 Sep;1802:741-8; Smid BE et al. Clin Genet, 2015 Aug;88:161-6). In an assay testing GLA function, this variant showed a functionally abnormal result (Lukas J et al. Hum Mutat, 2016 Jan;37:43-51). This amino acid position is highly conserved in available vertebrate species. In addition, this alteration is predicted to be deleterious by in silico analysis. Based on the available evidence, the clinical significance of this variant remains unclear.

Labcorp Genetics (formerly Invitae), Labcorp
Classification: Uncertain significance for Fabry disease. Last evaluated: 2024-08-11. Review status: criteria provided, single submitter. Criteria: Invitae Variant Classification Sherloc (09022015). Collection method: clinical testing. Allele origin: germline.
Comment: This sequence change replaces proline, which is neutral and non-polar, with leucine, which is neutral and non-polar, at codon 60 of the GLA protein (p.Pro60Leu). This variant is not present in population databases (gnomAD no frequency). This missense change has been observed in individual(s) with low alpha-galactosidase enzyme activity, however, individuals may be clinically unaffected and/or affected with mild disease. (PMID: 25040344; Invitae). ClinVar contains an entry for this variant (Variation ID: 222191). Advanced modeling of protein sequence and biophysical properties (such as structural, functional, and spatial information, amino acid conservation, physicochemical variation, residue mobility, and thermodynamic stability) performed at Invitae indicates that this missense variant is expected to disrupt GLA protein function with a positive predictive value of 95%. Experimental studies have shown that this missense change affects GLA function (PMID: 26415523). In summary, the available evidence is currently insufficient to determine the role of this variant in disease. Therefore, it has been classified as a Variant of Uncertain Significance.

GeneDx
Classification: Uncertain significance. Last evaluated: 2024-04-04. Review status: criteria provided, single submitter. Criteria: GeneDx Variant Classification Process June 2021. Collection method: clinical testing. Allele origin: germline. Affected: yes.
Comment: Identified in Fabry disease cohorts, however patients had no classical Fabry disease features and normal biomarkers; several authors excluded patients with p.(P60L) from analyses due to uncertainty of pathogenicity (PMID: 17206462, 20471476, 25040344, 28302345); Published functional studies suggest this variant results in slightly reduced enzyme activity compared to wildtype and that this variant may be amendable to treatment with chaperone therapy (PMID: 26415523, 32023956, 27657681); Not observed at significant frequency in large population cohorts (gnomAD); In silico analysis supports that this missense variant has a deleterious effect on protein structure/function; This variant is associated with the following publications: (PMID: 25382311, 27657681, 32023956, 22841442, 25040344, 29476735, 30853972, 25596309, 20471476, 28933368, 28302345, 27979989, 32317398, 32995357, 26019814, 27585509, 26654842, 23531228, 17206462, 26415523)

Revvity Omics, Revvity
Classification: Uncertain significance. Last evaluated: 2023-06-01. Review status: criteria provided, single submitter. Criteria: ACMG Guidelines, 2015. Collection method: clinical testing. Allele origin: germline.

Eurofins Ntd Llc (ga)
Classification: Uncertain significance. Last evaluated: 2018-01-30. Review status: criteria provided, single submitter. Criteria: EGL Classification Definitions 2015. Collection method: clinical testing. Allele origin: germline. Observed: 1 variant allele, 1 heterozygote.

Literature cited by the submitters: PubMed 26415523 (cited by 3 submitters); PubMed 32023956 (cited by Genomenon, Inc); PubMed 25040344 (cited by 3 submitters); PubMed 26563328 (cited by Genomenon, Inc); PubMed 27657681 (cited by Genomenon, Inc); PubMed 20471476 (cited by Genomenon, Inc and Ambry Genetics); PubMed 17206462 (cited by Ambry Genetics).

NM_000169.3(GLA):c.179C>T (p.Pro60Leu)

Genes: GLA (galactosidase alpha; minus strand), RPL36A-HNRNPH2 (RPL36A-HNRNPH2 readthrough; plus strand). Cytogenetic location: Xq22.1.
Variant type: single nucleotide variant.
Coding change: c.179C>T on transcript NM_000169.3 (MANE Select); coding-DNA position 179, C replaced by T.
Protein change: p.Pro60Leu; replaces proline 60 with leucine.
Molecular consequence: missense variant. On other transcripts: non-coding transcript variant (3), intron variant (2).
Genome position (GRCh38, 1-based): chrX:101,407,725, G>A on the plus strand (C>T on the coding strand, the complement: GLA is on the minus strand). VCF-style: chrX-101407725-G-A. GRCh37 (hg19) VCF-style: chrX-100662713-G-A.
Other names: c.179C>T, p.Pro60Leu (NM_001406747.1, NM_001406748.1, NM_001406749.1); c.301-4211G>A (NM_001199973.2); c.178-4211G>A (NM_001199974.2); short protein forms P60L.
Identifiers: ClinVar variation 222191 (VCV000222191.13), dbSNP rs869312262, ClinGen allele CA352942.